The following is an entry in ClinVar:

ClinVar aggregate classification (germline): Benign/Likely benign. Review status: criteria provided, multiple submitters, no conflicts (2 of 4 stars). 5 submissions from 5 submitters: Benign (2); Likely benign (2). 1 of the submissions does not count toward it. Last evaluated 2026-06-01.

Conditions:
NAXD-related disorder. Also called: NAXD-related condition.
NAD(P)HX dehydratase deficiency. Also called: Encephalopathy, progressive, early-onset, with brain edema and/or leukoencephalopathy, 2. Identifiers: Orphanet 555402, MedGen C5193026, MONDO:0034121, OMIM 618321.

Allele frequency attached by ClinVar (database versions not stated): gnomAD exomes 0.00042 and 0.00105; ExAC 0.00121; gnomAD 0.00400 and 0.00414; ESP Exome Variant Server 0.00415; TOPMed 0.00453; 1000 Genomes Project 0.00539; 1000 Genomes Project 30x 0.00578.

Submissions (5):

CeGaT Center for Human Genetics Tuebingen
Classification: Likely benign. Last evaluated: 2026-06-01. Review status: criteria provided, single submitter. Criteria: CeGaT Center For Human Genetics Tuebingen Variant Classification Criteria Version 2. Collection method: clinical testing. Allele origin: germline. Affected: yes. Observed: 1 variant allele.
Comment: NAXD: BP4, BP7, BS1

Labcorp Genetics (formerly Invitae), Labcorp
Classification: Benign. Last evaluated: 2026-01-15. Review status: criteria provided, single submitter. Criteria: Invitae Variant Classification Sherloc (09022015). Collection method: clinical testing. Allele origin: germline.

Fulgent Genetics
Classification: Likely benign for NAD(P)HX dehydratase deficiency. Last evaluated: 2021-12-20. Review status: criteria provided, single submitter. Criteria: ACMG Guidelines, 2015. Collection method: clinical testing. Allele origin: unknown.

Breakthrough Genomics
Classification: Benign. Review status: criteria provided, single submitter. Criteria: ACMG Guidelines, 2015. Collection method: not provided. Allele origin: germline. Inheritance: Autosomal recessive inheritance. Affected: yes.

PreventionGenetics, part of Exact Sciences
Classification: Benign for NAXD-related condition. Last evaluated: 2020-02-18. Review status: no assertion criteria provided. Collection method: clinical testing. Allele origin: germline. Not counted in ClinVar's aggregate classification.
Comment: This variant is classified as benign based on ACMG/AMP sequence variant interpretation guidelines (Richards et al. 2015 PMID: 25741868, with internal and published modifications).

NM_001242882.2(NAXD):c.840-58C>T

Gene: NAXD (NAD(P)HX dehydratase; plus strand). Cytogenetic location: 13q34.
Variant type: single nucleotide variant.
Coding change: c.840-58C>T on transcript NM_001242882.2 (MANE Select); 58 bases into the intron before coding-DNA position 840, C replaced by T.
Molecular consequence: intron variant. On other transcripts: synonymous variant (1).
Genome position (GRCh38, 1-based): chr13:110,638,320, C>T. VCF-style: chr13-110638320-C-T. GRCh37 (hg19) VCF-style: chr13-111290667-C-T.
Other names: c.972C>T, p.Cys324= (NM_018210.4); c.564-58C>T (NM_001242883.2); c.894-58C>T (NM_001242881.2); c.972C>T (NM_018210.3).
Identifiers: ClinVar variation 1165146 (VCV001165146.17), dbSNP rs77771278, ClinGen allele CA7051418.